The following is an entry in ClinVar:

ClinVar aggregate classification (germline): Uncertain significance. Review status: criteria provided, multiple submitters, no conflicts (2 of 4 stars). 7 submissions from 7 submitters: Uncertain significance (7). Last evaluated 2025-10-26.

Conditions:
Autosomal dominant nonsyndromic hearing loss 6 (LFSNHL). Also called: Autosomal dominant nonsyndromic deafness 6; DEAFNESS, AUTOSOMAL DOMINANT 6; DEAFNESS, AUTOSOMAL DOMINANT 14; DEAFNESS, AUTOSOMAL DOMINANT 38. Identifiers: Orphanet 90635, MedGen C1833021, MONDO:0010963, OMIM 600965.
Type 2 diabetes mellitus. Also called: Type II diabetes mellitus. Identifiers: MedGen C0011860, MeSH D003924, MONDO:0005148, OMIM 125853, HP:0005978.
Cataract 41 (CTRCT41). Also called: CATARACT 41, CONGENITAL NUCLEAR TYPE. Identifiers: Orphanet 91492, Orphanet 98991, Orphanet 98992, Orphanet 98995, MedGen C3805412, MONDO:0007287, OMIM 116400.
Wolfram-like syndrome. Also called: HEARING LOSS, PROGRESSIVE, WITH OPTIC ATROPHY AND/OR IMPAIRED GLUCOSE REGULATION. Identifiers: Orphanet 411590, MedGen C3280358, MONDO:0013673, OMIM 614296.
Wolfram syndrome 1 (WFS1). Identifiers: Orphanet 3463, MedGen C4551693, MONDO:0009101, OMIM 222300.
Monogenic diabetes. Identifiers: Orphanet 183625, MedGen C3888631, MONDO:0015967.

Allele frequency attached by ClinVar (database versions not stated): TOPMed 0.00003; ExAC 0.00006; gnomAD 0.00006 and 0.00007; gnomAD exomes 0.00010; 1000 Genomes Project 30x 0.00016; 1000 Genomes Project 0.00020.

Submissions (7):

Labcorp Genetics (formerly Invitae), Labcorp
Classification: Uncertain significance. Last evaluated: 2025-10-26. Review status: criteria provided, single submitter. Criteria: Invitae Variant Classification Sherloc (09022015). Collection method: clinical testing. Allele origin: germline.
Comment: This sequence change replaces tyrosine, which is neutral and polar, with cysteine, which is neutral and slightly polar, at codon 351 of the WFS1 protein (p.Tyr351Cys). This variant is present in population databases (rs181988441, gnomAD 0.009%). This missense change has been observed in individual(s) with WFS1-related conditions (PMID: 33841295, 36938085). ClinVar contains an entry for this variant (Variation ID: 229635). Invitae Evidence Modeling of protein sequence and biophysical properties (such as structural, functional, and spatial information, amino acid conservation, physicochemical variation, residue mobility, and thermodynamic stability) indicates that this missense variant is expected to disrupt WFS1 protein function with a positive predictive value of 95%. In summary, the available evidence is currently insufficient to determine the role of this variant in disease. Therefore, it has been classified as a Variant of Uncertain Significance.

GeneDx
Classification: Uncertain significance. Last evaluated: 2025-09-22. Review status: criteria provided, single submitter. Criteria: GeneDx Variant Classification Process June 2021. Collection method: clinical testing. Allele origin: germline.
Comment: Reported in a patient with optic neuropathy in published literature (PMID: 33841295); In silico analysis supports that this missense variant has a deleterious effect on protein structure/function; This variant is associated with the following publications: (PMID: 36938085, 26435059, 33841295)

Blueprint Genetics
Classification: Uncertain significance. Last evaluated: 2024-11-15. Review status: criteria provided, single submitter. Criteria: ACMG Guidelines, 2015. Collection method: clinical testing. Allele origin: germline.

Fulgent Genetics
Classification: Uncertain significance for Cataract 41; Type 2 diabetes mellitus; Wolfram syndrome 1; Autosomal dominant nonsyndromic hearing loss 6; Wolfram-like syndrome. Last evaluated: 2024-01-20. Review status: criteria provided, single submitter. Criteria: ACMG Guidelines, 2015. Collection method: clinical testing. Allele origin: germline.

Mayo Clinic Laboratories, Mayo Clinic
Classification: Uncertain significance. Last evaluated: 2024-01-09. Review status: criteria provided, single submitter. Criteria: ACMG Guidelines, 2015. Collection method: clinical testing. Allele origin: germline. Observed: 2 variant alleles.
Comment: PP3_moderate

Personalized Diabetes Medicine Program, University of Maryland School of Medicine
Classification: Uncertain significance for Monogenic diabetes. Last evaluated: 2018-01-09. Review status: criteria provided, single submitter. Criteria: ACMG Guidelines, 2015. Collection method: research. Allele origin: unknown. Observed: 1 variant allele, 1 heterozygote.
Comment: ACMG criteria: PP3 (10 predictors) =VUS

Laboratory for Molecular Medicine, Mass General Brigham Personalized Medicine
Classification: Uncertain significance. Last evaluated: 2015-08-11. Review status: criteria provided, single submitter. Criteria: LMM Criteria. Collection method: clinical testing. Allele origin: germline. Observed: 1 variant allele.
Comment: The p.Tyr351Cys variant in WFS1 has not been previously reported in individuals with hearing loss or Wolfram syndrome, but has been identified in 5/66738 Europe an American chromosomes by the Exome Aggregation Consortium (ExAC; dbSNP rs181988441). Although this variant has been seen in th e general population, its frequency is not high enough to rule out a pathogenic role. Computational prediction tools and conservation analysis suggest that the p.Tyr351Cys variant may impact the protein, though this information is not predi ctive enough to determine pathogenicity. In summary, the clinical significance o f the p.Tyr351Cys variant is uncertain.

Literature cited by the submitters: PubMed 33841295 (cited by Labcorp Genetics (formerly Invitae), Labcorp and Mayo Clinic Laboratories, Mayo Clinic); PubMed 36938085 (cited by Labcorp Genetics (formerly Invitae), Labcorp and Mayo Clinic Laboratories, Mayo Clinic); PubMed 26435059 (cited by Mayo Clinic Laboratories, Mayo Clinic).

NM_006005.3(WFS1):c.1052A>G (p.Tyr351Cys)

Gene: WFS1 (wolframin ER transmembrane glycoprotein; plus strand). Cytogenetic location: 4p16.1.
Variant type: single nucleotide variant.
Coding change: c.1052A>G on transcript NM_006005.3 (MANE Select); coding-DNA position 1052, A replaced by G.
Protein change: p.Tyr351Cys; replaces tyrosine 351 with cysteine.
Molecular consequence: missense variant.
Genome position (GRCh38, 1-based): chr4:6,300,847, A>G. VCF-style: chr4-6300847-A-G. GRCh37 (hg19) VCF-style: chr4-6302574-A-G.
Other names: c.1052A>G, p.Tyr351Cys (NM_001145853.1); short protein forms Y351C.
Identifiers: ClinVar variation 229635 (VCV000229635.22), dbSNP rs181988441, ClinGen allele CA2839204.